The following is an entry in ClinVar:

NM_000069.3(CACNA1S):c.2403T>C (p.Phe801=)

Gene: CACNA1S (calcium voltage-gated channel subunit alpha1 S; minus strand). Cytogenetic location: 1q32.1.
Variant type: single nucleotide variant.
Coding change: c.2403T>C on transcript NM_000069.3 (MANE Select); coding-DNA position 2403, T replaced by C.
Protein change: p.Phe801=; no amino-acid change (phenylalanine 801 retained).
Molecular consequence: synonymous variant.
Genome position (GRCh38, 1-based): chr1:201,069,559, A>G on the plus strand (T>C on the coding strand, the complement: CACNA1S is on the minus strand). VCF-style: chr1-201069559-A-G. GRCh37 (hg19) VCF-style: chr1-201038687-A-G.
Other names: p.Phe801=.
Identifiers: ClinVar variation 254814 (VCV000254814.27), dbSNP rs7415038, ClinGen allele CA078982.

ClinVar aggregate classification (germline): Benign. Review status: criteria provided, multiple submitters, no conflicts (2 of 4 stars). 14 submissions from 14 submitters: Benign (12). 2 of the submissions do not count toward it. Last evaluated 2026-02-04.

Conditions:
Hypokalemic periodic paralysis, type 1. Also called: Hypokalemic Periodic Paralysis Type 1 (AD); HypoPP. Identifiers: Orphanet 681, MedGen C3714580, MONDO:0042979, OMIM 170400.
Malignant hyperthermia, susceptibility to, 5 (MHS5). Also called: CACNA1S-Related Malignant Hyperthermia Susceptibility. Identifiers: Orphanet 423, MedGen C1866077, MONDO:0011163, OMIM 601887.

Allele frequency attached by ClinVar (database versions not stated): gnomAD exomes 0.41973 and 0.33261; gnomAD 0.42089 and 0.43715; TOPMed 0.43136; ESP Exome Variant Server 0.47172; 1000 Genomes Project 0.29413; 1000 Genomes Project 30x 0.31012; ExAC 0.40335.
gnomAD v4.1: 657,909 of 1,570,430 alleles (42%); highest among the groups gnomAD compares: African/African-American, 53%; 147,909 homozygotes.

Submissions (14):

Labcorp Genetics (formerly Invitae), Labcorp
Classification: Benign for Hypokalemic periodic paralysis, type 1; Malignant hyperthermia, susceptibility to, 5. Last evaluated: 2026-02-04. Review status: criteria provided, single submitter. Criteria: Invitae Variant Classification Sherloc (09022015). Collection method: clinical testing. Allele origin: germline.

Blueprint Genetics
Classification: Benign. Last evaluated: 2024-11-26. Review status: criteria provided, single submitter. Criteria: ACMG Guidelines, 2015. Collection method: clinical testing. Allele origin: germline.

All of Us Research Program, National Institutes of Health
Classification: Benign for Malignant hyperthermia, susceptibility to, 5. Last evaluated: 2024-02-05. Review status: criteria provided, single submitter. Criteria: ACMG Guidelines, 2015. Collection method: clinical testing. Allele origin: germline. Inheritance: Autosomal dominant inheritance. Observed: 69,557 variant alleles, 49,855 heterozygotes, 19,702 homozygotes.
Comment: This study involves interpretation of variants in research participants for the purpose of population health screening. Participant phenotype was not available at the time of variant classification. Additional details can be found in publication PMID: 35346344, PMCID: PMC8962531

Genome-Nilou Lab
Classification: Benign for Hypokalemic periodic paralysis, type 1. Last evaluated: 2021-07-14. Review status: criteria provided, single submitter. Criteria: ACMG Guidelines, 2015. Collection method: clinical testing. Allele origin: germline. Affected: no.

Color Diagnostics, LLC DBA Color Health
Classification: Benign for Malignant hyperthermia, susceptibility to, 5. Last evaluated: 2019-03-28. Review status: criteria provided, single submitter. Criteria: ACMG Guidelines, 2015. Collection method: clinical testing. Allele origin: germline.

Athena Diagnostics
Classification: Benign. Last evaluated: 2017-07-21. Review status: criteria provided, single submitter. Criteria: Athena Diagnostics Criteria. Collection method: clinical testing. Allele origin: germline.

Mayo Clinic Laboratories, Mayo Clinic
Classification: Benign. Last evaluated: 2017-07-21. Review status: criteria provided, single submitter. Criteria: ACMG Guidelines, 2015. Collection method: clinical testing. Allele origin: germline. Observed: 364 variant alleles.

Illumina Laboratory Services, Illumina
Classification: Benign for Hypokalemic periodic paralysis, type 1. Last evaluated: 2017-04-27. Review status: criteria provided, single submitter. Criteria: ICSL Variant Classification Criteria 13 December 2019. Collection method: clinical testing. Allele origin: germline.
Comment: This variant was observed as part of a predisposition screen in an ostensibly healthy population. A literature search was performed for the gene, cDNA change, and amino acid change (where applicable). No publications were found based on this search. Allele frequency data from public databases was too high to be consistent with this variant causing disease. Therefore, this variant is classified as benign.

Women's Health and Genetics/Laboratory Corporation of America, LabCorp
Classification: Benign. Last evaluated: 2016-02-11. Review status: criteria provided, single submitter. Criteria: LabCorp Variant Classification Summary - May 2015. Collection method: clinical testing. Allele origin: germline.

GeneDx
Classification: Benign. Last evaluated: 2016-01-05. Review status: criteria provided, single submitter. Criteria: GeneDx Variant Classification (06012015). Collection method: clinical testing. Allele origin: germline. Affected: yes.
Comment: This variant is considered likely benign or benign based on one or more of the following criteria: it is a conservative change, it occurs at a poorly conserved position in the protein, it is predicted to be benign by multiple in silico algorithms, and/or has population frequency not consistent with disease.

Breakthrough Genomics
Classification: Benign. Review status: criteria provided, single submitter. Criteria: ACMG Guidelines, 2015. Collection method: not provided. Allele origin: germline. Inheritance: Autosomal dominant inheritance. Affected: yes.

PreventionGenetics, part of Exact Sciences
Classification: Benign. Review status: criteria provided, single submitter. Criteria: ACMG Guidelines, 2015. Collection method: clinical testing. Allele origin: germline.

Diagnostic Laboratory, Department of Genetics, University Medical Center Groningen
Classification: Benign. Review status: no assertion criteria provided. Collection method: clinical testing. Allele origin: germline. Affected: yes. Study: VKGL Data-share Consensus. Not counted in ClinVar's aggregate classification.

Joint Genome Diagnostic Labs from Nijmegen and Maastricht, Radboudumc and MUMC+
Classification: Benign. Review status: no assertion criteria provided. Collection method: clinical testing. Allele origin: germline. Affected: yes. Study: VKGL Data-share Consensus. Not counted in ClinVar's aggregate classification.